The following is an entry in ClinVar:

ClinVar aggregate classification (germline): Likely benign (1 of 4 stars; one submission).

gnomAD v4.1: 506 of 1,613,794 alleles (0.031%); highest among the groups gnomAD compares: Middle Eastern, 0.25%; 3 homozygotes.

Submission:

CeGaT Center for Human Genetics Tuebingen
Classification: Likely benign. Last evaluated: 2025-01-01. Review status: criteria provided, single submitter. Criteria: CeGaT Center For Human Genetics Tuebingen Variant Classification Criteria Version 2. Collection method: clinical testing. Allele origin: germline. Affected: yes. Observed: 1 variant allele.
Comment: AGBL1: BS1

NM_001386094.1(AGBL1):c.1849G>A (p.Asp617Asn)

Gene: AGBL1 (AGBL carboxypeptidase 1; plus strand). Cytogenetic location: 15q25.3.
Variant type: single nucleotide variant.
Coding change: c.1849G>A on transcript NM_001386094.1 (MANE Select); coding-DNA position 1849, G replaced by A.
Protein change: p.Asp617Asn; replaces aspartic acid 617 with asparagine.
Molecular consequence: missense variant.
Genome position (GRCh38, 1-based): chr15:86,269,929, G>A. VCF-style: chr15-86269929-G-A. GRCh37 (hg19) VCF-style: chr15-86813160-G-A.
Other names: c.1849G>A, p.Asp617Asn (NM_152336.4); short protein forms D617N.
Identifiers: ClinVar variation 3770701 (VCV003770701.13).